The following is an entry in ClinVar:

ClinVar aggregate classification (germline): Uncertain significance (1 of 4 stars; one submission).

Submission:

GeneDx
Classification: Uncertain significance. Last evaluated: 2025-12-05. Review status: criteria provided, single submitter. Criteria: GeneDx Variant Classification Process June 2021. Collection method: clinical testing. Allele origin: germline. Affected: yes.
Comment: In-frame deletion of one amino acid in a non-repeat region; In silico analysis supports a deleterious effect on protein structure/function; Has not been previously published as pathogenic or benign to our knowledge

NM_032634.4(PIGO):c.2542CTG[1] (p.Leu850del)

Gene: PIGO (phosphatidylinositol glycan anchor biosynthesis class O; minus strand). Cytogenetic location: 9p13.3.
Variant type: Microsatellite.
Coding change: c.2542CTG[1] on transcript NM_032634.4 (MANE Select); one copy of the 3-base unit CTG starting at c.2542; the reference has two copies in a row; one copy, 3 bases deleted.
Protein change: p.Leu850del; deletes leucine 850.
Molecular consequence: intron variant (on NM_152850.4).
Genome position (GRCh38, 1-based): chr9:35,091,340-35,091,342, CAG deleted on the plus strand (CTG on the coding strand, the reverse complement: PIGO is on the minus strand); deleting any 3 consecutive bases within chr9:35,091,340-35,091,345 gives the same sequence; the position shown is the placement nearest the transcript's 3' end. VCF-style (leftmost placement, unchanged base first): chr9-35091339-ACAG-A. GRCh37 (hg19) VCF-style: chr9-35091336-ACAG-A.
Other names: c.1345-51_1345-49del (NM_152850.4, NM_001201484.2); short protein forms L850del.
Identifiers: ClinVar variation 3371279 (VCV003371279.2).